The following is an entry in ClinVar:

ClinVar aggregate classification (germline): Uncertain significance (1 of 4 stars; one submission).

Conditions:
DICER1-related tumor predisposition. Also called: DICER1-related pleuropulmonary blastoma cancer predisposition syndrome; DICER1 syndrome. Identifiers: Orphanet 284343, MedGen C3839822, MONDO:0100216.

Submission:

Labcorp Genetics (formerly Invitae), Labcorp
Classification: Uncertain significance for DICER1-related tumor predisposition. Last evaluated: 2024-07-15. Review status: criteria provided, single submitter. Criteria: Invitae Variant Classification Sherloc (09022015). Collection method: clinical testing. Allele origin: germline.
Comment: This sequence change replaces glutamic acid, which is acidic and polar, with lysine, which is basic and polar, at codon 657 of the DICER1 protein (p.Glu657Lys). This variant is not present in population databases (gnomAD no frequency). This variant has not been reported in the literature in individuals affected with DICER1-related conditions. Advanced modeling of protein sequence and biophysical properties (such as structural, functional, and spatial information, amino acid conservation, physicochemical variation, residue mobility, and thermodynamic stability) performed at Invitae indicates that this missense variant is not expected to disrupt DICER1 protein function with a negative predictive value of 80%. In summary, the available evidence is currently insufficient to determine the role of this variant in disease. Therefore, it has been classified as a Variant of Uncertain Significance.

NM_177438.3(DICER1):c.1969G>A (p.Glu657Lys)

Gene: DICER1 (dicer 1, ribonuclease III; minus strand). Cytogenetic location: 14q32.13.
Variant type: single nucleotide variant.
Coding change: c.1969G>A on transcript NM_177438.3 (MANE Select); coding-DNA position 1969, G replaced by A.
Protein change: p.Glu657Lys; replaces glutamic acid 657 with lysine.
Molecular consequence: missense variant. On other transcripts: non-coding transcript variant (6).
Genome position (GRCh38, 1-based): chr14:95,113,163, C>T on the plus strand (G>A on the coding strand, the complement: DICER1 is on the minus strand). VCF-style: chr14-95113163-C-T. GRCh37 (hg19) VCF-style: chr14-95579500-C-T.
Other names: c.1969G>A, p.Glu657Lys (NM_001195573.1, NM_001271282.3, NM_001291628.2 and 12 more transcripts); c.1687G>A, p.Glu563Lys (NM_001395686.1); c.1564G>A, p.Glu522Lys (NM_001395687.1, NM_001395688.1, NM_001395689.1 and 3 more transcripts); c.1402G>A, p.Glu468Lys (NM_001395691.1); c.286G>A, p.Glu96Lys (NM_001395697.1); short protein forms E657K, E96K, E563K, E468K, E522K.
Identifiers: ClinVar variation 3659505 (VCV003659505.2).